The following is an entry in ClinVar:

ClinVar aggregate classification (germline): Conflicting classifications of pathogenicity. Review status: criteria provided, conflicting classifications (1 of 4 stars). 2 submissions from 2 submitters: Likely pathogenic (1); Uncertain significance (1). Last evaluated 2025-04-14.

Submissions (2):

Labcorp Genetics (formerly Invitae), Labcorp
Classification: Likely pathogenic. Last evaluated: 2025-04-14. Review status: criteria provided, single submitter. Criteria: Invitae Variant Classification Sherloc (09022015). Collection method: clinical testing. Allele origin: germline.
Comment: This sequence change affects a donor splice site in intron 30 of the PIKFYVE gene. It is expected to disrupt RNA splicing. Variants that disrupt the donor or acceptor splice site typically lead to a loss of protein function (PMID: 16199547), and loss-of-function variants in PIKFYVE are known to be pathogenic (PMID: 15902656, 23288988, 26396486). This variant is present in population databases (rs201496355, gnomAD 0.01%). This variant has not been reported in the literature in individuals affected with PIKFYVE-related conditions. ClinVar contains an entry for this variant (Variation ID: 3669729). Algorithms developed to predict the effect of sequence changes on RNA splicing suggest that this variant may disrupt the consensus splice site. In summary, the currently available evidence indicates that the variant is pathogenic, but additional data are needed to prove that conclusively. Therefore, this variant has been classified as Likely Pathogenic.

GeneDx
Classification: Uncertain significance. Last evaluated: 2025-03-12. Review status: criteria provided, single submitter. Criteria: GeneDx Variant Classification Process June 2021. Collection method: clinical testing. Allele origin: germline. Affected: yes.
Comment: Canonical splice site variant predicted to result in an in-frame loss of the adjacent exon in a gene for which loss of function is a known mechanism of disease; Has not been previously published as pathogenic or benign to our knowledge

Literature cited by the submitters: PubMed 16199547 (cited by Labcorp Genetics (formerly Invitae), Labcorp); PubMed 15902656 (cited by Labcorp Genetics (formerly Invitae), Labcorp); PubMed 23288988 (cited by Labcorp Genetics (formerly Invitae), Labcorp); PubMed 26396486 (cited by Labcorp Genetics (formerly Invitae), Labcorp).

NM_015040.4(PIKFYVE):c.4810+1G>A

Gene: PIKFYVE (phosphoinositide kinase, FYVE-type zinc finger containing; plus strand). Cytogenetic location: 2q34.
Variant type: single nucleotide variant.
Coding change: c.4810+1G>A on transcript NM_015040.4 (MANE Select); the canonical splice donor site of the intron after coding-DNA position 4810, G replaced by A.
Molecular consequence: splice donor variant.
Genome position (GRCh38, 1-based): chr2:208,339,556, G>A. VCF-style: chr2-208339556-G-A. GRCh37 (hg19) VCF-style: chr2-209204280-G-A.
Identifiers: ClinVar variation 3669729 (VCV003669729.3).